The following is an entry in ClinVar:

NC_000005.9:g.(?_138117614)_(138145913_?)del

Gene: CTNNA1 (catenin alpha 1; plus strand). Cytogenetic location: 5q31.2.
Variant type: Deletion.
Identifiers: ClinVar variation 2424312 (VCV002424312.3).

ClinVar aggregate classification (germline): Uncertain significance (1 of 4 stars; one submission).

Submission:

Labcorp Genetics (formerly Invitae), Labcorp
Classification: Uncertain significance. Last evaluated: 2022-09-21. Review status: criteria provided, single submitter. Criteria: Invitae Variant Classification Sherloc (09022015). Collection method: clinical testing. Allele origin: germline.
Comment: This variant is a gross deletion of the genomic region encompassing exon(s) 2-4 of the CTNNA1 gene, which includes the initiator codon. This deletion extends beyond the assayed region for this gene and therefore may encompass additional genes. It is expected to result in an absent or disrupted protein product. However, the current clinical and genetic evidence is not sufficient to establish whether loss-of-function variants in CTNNA1 cause disease. This variant has not been reported in the literature in individuals affected with CTNNA1-related conditions. Experimental studies and prediction algorithms are not available or were not evaluated, and the functional significance of this variant is currently unknown. In summary, the available evidence is currently insufficient to determine the role of this variant in disease. Therefore, it has been classified as a Variant of Uncertain Significance.